The following is an entry in ClinVar:

NM_014264.5(PLK4):c.1594G>A (p.Asp532Asn)

Gene: PLK4 (polo like kinase 4; plus strand). Cytogenetic location: 4q28.1.
Variant type: single nucleotide variant.
Coding change: c.1594G>A on transcript NM_014264.5 (MANE Select); coding-DNA position 1594, G replaced by A.
Protein change: p.Asp532Asn; replaces aspartic acid 532 with asparagine.
Molecular consequence: missense variant.
Genome position (GRCh38, 1-based): chr4:127,890,000, G>A. VCF-style: chr4-127890000-G-A. GRCh37 (hg19) VCF-style: chr4-128811155-G-A.
Other names: c.1498G>A, p.Asp500Asn (NM_001190799.2); c.1471G>A, p.Asp491Asn (NM_001190801.2); short protein forms D491N, D500N, D532N.
Identifiers: ClinVar variation 998985 (VCV000998985.5), dbSNP rs1735291272, ClinGen allele CA358155710.
Genomic context (GRCh38, chr4:127,890,000, plus strand): 5'-AAGGACACATCAAAAAATGCCTGGACTGATACAAAAGTCAAAAAGAACTCTGATGCTTCT[G>A]ATAATGCACATTCTGTAAAACAGCAAAATACCATGAAATATATGACTGCACTTCACAGTA-3'
Protein context (NP_055079.3, residues 522-542): TKVKKNSDAS[Asp532Asn]NAHSVKQQNT

ClinVar aggregate classification (germline): Uncertain significance (1 of 4 stars; one submission).

Submission:

Labcorp Genetics (formerly Invitae), Labcorp
Classification: Uncertain significance. Last evaluated: 2021-05-19. Review status: criteria provided, single submitter. Criteria: Invitae Variant Classification Sherloc (09022015). Collection method: clinical testing. Allele origin: germline.
Comment: This sequence change replaces aspartic acid with asparagine at codon 532 of the PLK4 protein (p.Asp532Asn). The aspartic acid residue is weakly conserved and there is a small physicochemical difference between aspartic acid and asparagine. This variant is not present in population databases (ExAC no frequency). This variant has not been reported in the literature in individuals with PLK4-related conditions. Algorithms developed to predict the effect of missense changes on protein structure and function (SIFT, PolyPhen-2, Align-GVGD) all suggest that this variant is likely to be tolerated, but these predictions have not been confirmed by published functional studies and their clinical significance is uncertain. In summary, the available evidence is currently insufficient to determine the role of this variant in disease. Therefore, it has been classified as a Variant of Uncertain Significance.